The following is an entry in ClinVar:

ClinVar aggregate classification (germline): Pathogenic (1 of 4 stars; one submission).

Submission:

GeneDx
Classification: Pathogenic. Last evaluated: 2015-05-29. Review status: criteria provided, single submitter. Criteria: GeneDx Variant Classification (06012015). Collection method: clinical testing. Allele origin: germline. Affected: yes.
Comment: To our knowledge, the c.7781_7782delAG deletion in the ABCA12 gene has not been reported previouslyas a pathogenic variant nor as a benign polymorphism. The c.7781_7782delAG deletion replaces the last two amino acid residues in the ABCA12 protein with 33 different amino acid residues, thus further extending the protein. This change is expected to alter the normal structure and function of the resultant protein. The c.7781_7782delAG variant was not observed in approximately 6,500 individuals of European and African American ancestry in the NHLBI Exome Sequencing Project, indicating it is not a common benign variant in these populations. We interpret c.7781_7782delAG as a pathogenic variant.

NM_173076.3(ABCA12):c.7781_7782del (p.Glu2594fs)

Genes: ABCA12 (ATP binding cassette subfamily A member 12; minus strand), SNHG31 (small nucleolar RNA host gene 31; plus strand). Cytogenetic location: 2q35.
Variant type: Deletion.
Coding change: c.7781_7782del on transcript NM_173076.3 (MANE Select); coding-DNA positions 7781 to 7782, 2 bases deleted (AG; older notation c.7781_7782delAG).
Protein change: p.Glu2594fs; shifts the reading frame from glutamic acid 2594.
Molecular consequence: frameshift variant. On other transcripts: non-coding transcript variant (1).
Genome position (GRCh38, 1-based): chr2:214,932,640-214,932,641, CT deleted on the plus strand (AG on the coding strand, the reverse complement: ABCA12 is on the minus strand); deleting any 2 consecutive bases within chr2:214,932,640-214,932,642 gives the same sequence; the c. name uses the placement nearest the transcript's 3' end. VCF-style (leftmost placement, unchanged base first): chr2-214932639-ACT-A. GRCh37 (hg19) VCF-style: chr2-215797363-ACT-A.
Other names: c.6827_6828del, p.Glu2276fs (NM_015657.4); short protein forms E2594fs, E2276fs.
Identifiers: ClinVar variation 419174 (VCV000419174.2), dbSNP rs1064793695, ClinGen allele CA16617465.